The following is an entry in ClinVar:

NM_001846.4(COL4A2):c.576C>T (p.Val192=)

Gene: COL4A2 (collagen type IV alpha 2 chain; plus strand). Cytogenetic location: 13q34.
Variant type: single nucleotide variant.
Coding change: c.576C>T on transcript NM_001846.4 (MANE Select); coding-DNA position 576, C replaced by T.
Protein change: p.Val192=; no amino-acid change (valine 192 retained).
Molecular consequence: synonymous variant.
Genome position (GRCh38, 1-based): chr13:110,430,427, C>T. VCF-style: chr13-110430427-C-T. GRCh37 (hg19) VCF-style: chr13-111082774-C-T.
Identifiers: ClinVar variation 311107 (VCV000311107.18), dbSNP rs190117538, ClinGen allele CA7048963.

ClinVar aggregate classification (germline): Benign/Likely benign. Review status: criteria provided, multiple submitters, no conflicts (2 of 4 stars). 5 submissions from 5 submitters: Benign (2); Likely benign (2). 1 of the submissions does not count toward it. Last evaluated 2026-05-20.

Conditions:
COL4A2-related disorder. Also called: COL4A2-related disorders; COL4A2-related condition.
Brain small vessel disease 2A, autosomal dominant. Also called: Porencephaly 2. Identifiers: Orphanet 2940, Orphanet 99810, MedGen C3280970, MONDO:0013773, OMIM 614483.

Allele frequency attached by ClinVar (database versions not stated): gnomAD exomes 0.00050; ExAC 0.00058; gnomAD 0.00163 and 0.00175; 1000 Genomes Project 30x 0.00187; TOPMed 0.00192; ESP Exome Variant Server 0.00204; 1000 Genomes Project 0.00220.
gnomAD v4.1: 518 of 1,614,072 alleles (0.032%); highest among the groups gnomAD compares: African/African-American, 0.58%; 1 homozygote.

Submissions (5):

Women's Health and Genetics/Laboratory Corporation of America, LabCorp
Classification: Likely benign. Last evaluated: 2026-05-20. Review status: criteria provided, single submitter. Criteria: LabCorp Variant Classification Summary - May 2015. Collection method: clinical testing. Allele origin: germline.

Labcorp Genetics (formerly Invitae), Labcorp
Classification: Benign. Last evaluated: 2025-10-21. Review status: criteria provided, single submitter. Criteria: Invitae Variant Classification Sherloc (09022015). Collection method: clinical testing. Allele origin: germline.

Blueprint Genetics
Classification: Likely benign. Last evaluated: 2024-09-23. Review status: criteria provided, single submitter. Criteria: ACMG Guidelines, 2015. Collection method: clinical testing. Allele origin: germline.

Illumina Laboratory Services, Illumina
Classification: Benign for Brain small vessel disease 2A, autosomal dominant. Last evaluated: 2018-01-12. Review status: criteria provided, single submitter. Criteria: ICSL Variant Classification Criteria 13 December 2019. Collection method: clinical testing. Allele origin: germline.
Comment: This variant was observed in the ICSL laboratory as part of a predisposition screen in an ostensibly healthy population. It had not been previously curated by ICSL or reported in the Human Gene Mutation Database (HGMD: prior to June 1st, 2018), and was therefore a candidate for classification through an automated scoring system. Utilizing variant allele frequency, disease prevalence and penetrance estimates, and inheritance mode, an automated score was calculated to assess if this variant is too frequent to cause the disease. Based on the score and internal cut-off values, a variant classified as benign is not then subjected to further curation. The score for this variant resulted in a classification of benign for this disease.

PreventionGenetics, part of Exact Sciences
Classification: Benign for COL4A2-related condition. Last evaluated: 2019-12-02. Review status: no assertion criteria provided. Collection method: clinical testing. Allele origin: germline. Not counted in ClinVar's aggregate classification.
Comment: This variant is classified as benign based on ACMG/AMP sequence variant interpretation guidelines (Richards et al. 2015 PMID: 25741868, with internal and published modifications).